The following is an entry in ClinVar:

ClinVar aggregate classification (germline): Uncertain significance (1 of 4 stars; one submission).

Allele frequency attached by ClinVar (database versions not stated): gnomAD exomes below 0.00001.
gnomAD v4.1: 2 of 1,613,794 alleles (0.00012%); highest among the groups gnomAD compares: Admixed American, 0.0017%; no homozygotes.

Submission:

Labcorp Genetics (formerly Invitae), Labcorp
Classification: Uncertain significance. Last evaluated: 2025-04-28. Review status: criteria provided, single submitter. Criteria: Invitae Variant Classification Sherloc (09022015). Collection method: clinical testing. Allele origin: germline.
Comment: This sequence change replaces glycine, which is neutral and non-polar, with alanine, which is neutral and non-polar, at codon 5435 of the ADGRV1 protein (p.Gly5435Ala). This variant is present in population databases (no rsID available, gnomAD 0.003%). This variant has not been reported in the literature in individuals affected with ADGRV1-related conditions. ClinVar contains an entry for this variant (Variation ID: 1015872). Invitae Evidence Modeling of protein sequence and biophysical properties (such as structural, functional, and spatial information, amino acid conservation, physicochemical variation, residue mobility, and thermodynamic stability) indicates that this missense variant is not expected to disrupt ADGRV1 protein function with a negative predictive value of 80%. In summary, the available evidence is currently insufficient to determine the role of this variant in disease. Therefore, it has been classified as a Variant of Uncertain Significance.

NM_032119.4(ADGRV1):c.16304G>C (p.Gly5435Ala)

Gene: ADGRV1 (adhesion G protein-coupled receptor V1; plus strand). Cytogenetic location: 5q14.3.
Variant type: single nucleotide variant.
Coding change: c.16304G>C on transcript NM_032119.4 (MANE Select); coding-DNA position 16304, G replaced by C.
Protein change: p.Gly5435Ala; replaces glycine 5435 with alanine.
Molecular consequence: missense variant. On other transcripts: non-coding transcript variant (1).
Genome position (GRCh38, 1-based): chr5:90,823,532, G>C. VCF-style: chr5-90823532-G-C. GRCh37 (hg19) VCF-style: chr5-90119349-G-C.
Other names: short protein forms G5435A.
Identifiers: ClinVar variation 1015872 (VCV001015872.6), dbSNP rs1266313344, ClinGen allele CA360425652.